The following is an entry in ClinVar:

NM_001009944.3(PKD1):c.3518G>A (p.Ser1173Asn)

Gene: PKD1 (polycystin 1, transient receptor potential channel interacting; minus strand). Cytogenetic location: 16p13.3.
Variant type: single nucleotide variant.
Coding change: c.3518G>A on transcript NM_001009944.3 (MANE Select); coding-DNA position 3518, G replaced by A.
Protein change: p.Ser1173Asn; replaces serine 1173 with asparagine.
Molecular consequence: missense variant.
Genome position (GRCh38, 1-based): chr16:2,111,649, C>T on the plus strand (G>A on the coding strand, the complement: PKD1 is on the minus strand). VCF-style: chr16-2111649-C-T. GRCh37 (hg19) VCF-style: chr16-2161650-C-T.
Other names: c.3518G>A, p.Ser1173Asn (NM_000296.4); short protein forms S1173N.
Identifiers: ClinVar variation 2499254 (VCV002499254.1), dbSNP rs755553383, ClinGen allele CA7832740.
Genomic context (GRCh38, chr16:2,111,649, plus strand): 5'-ACCTCCAGGCGCACGTGGTAGGTGCCCCTCGAGGCATAGGTGTGGTTGGCAGCCGGCTGG[C>T]TCTGGGTCAGGACAGGGGAGCCGTCCCCGAAGTCCCACGTGTAAAGAACACCCCCAGGCG-3'
Protein context (NP_001009944.3, residues 1163-1183): FGDGSPVLTQ[Ser1173Asn]QPAANHTYAS

ClinVar aggregate classification (germline): Uncertain significance (1 of 4 stars; one submission).

Allele frequency attached by ClinVar (database versions not stated): gnomAD exomes 0.00001; gnomAD 0.00002; TOPMed 0.00002.

Submission:

GeneDx
Classification: Uncertain significance. Last evaluated: 2022-10-17. Review status: criteria provided, single submitter. Criteria: GeneDx Variant Classification Process June 2021. Collection method: clinical testing. Allele origin: germline. Affected: yes.
Comment: Not observed at significant frequency in large population cohorts (gnomAD); In silico analysis supports that this missense variant does not alter protein structure/function; Has not been previously published as pathogenic or benign to our knowledge